The following is an entry in ClinVar:

ClinVar aggregate classification (germline): Likely pathogenic (1 of 4 stars; one submission).

Conditions:
Isolated growth hormone deficiency, type 4. Also called: ISOLATED GROWTH HORMONE DEFICIENCY, TYPE IV; DWARFISM OF SINDH. Identifiers: Orphanet 684247, MedGen C4722273, MONDO:0032567, OMIM 618157.

gnomAD v4.1: 12 of 1,613,110 alleles (0.00074%); highest among the groups gnomAD compares: Non-Finnish European, 0.00085%; no homozygotes.

Submission:

Women's Health and Genetics/Laboratory Corporation of America, LabCorp
Classification: Likely pathogenic for Isolated growth hormone deficiency, type 4. Last evaluated: 2024-07-30. Review status: criteria provided, single submitter. Criteria: LabCorp Variant Classification Summary - May 2015. Collection method: clinical testing. Allele origin: germline.
Comment: Variant summary: GHRHR c.847T>C (p.Trp283Arg) results in a non-conservative amino acid change located in the GPCR, family 2-like, 7TM domain (IPR017981) of the encoded protein sequence. Four of five in-silico tools predict a damaging effect of the variant on protein function. The variant was absent in 251484 control chromosomes. c.847T>C has been reported in the literature in at least one homozygous individual affected with Isolated growth hormone deficiency with no detected GH1 variant (e.g. Cohen_2019). These data indicate that the variant may be associated with disease. At least one publication reports experimental evidence evaluating an impact on protein function. The most pronounced variant effect results in near complete loss of cAMP signaling activity in vitro (e.g. Cohen_2019). The following publication has been ascertained in the context of this evaluation (PMID: 31231873). No submitters have cited clinical-significance assessments for this variant to ClinVar. Based on the evidence outlined above, the variant was classified as likely pathogenic.

Literature cited by the submitters: PubMed 31231873.

NM_000823.4(GHRHR):c.847T>C (p.Trp283Arg)

Gene: GHRHR (growth hormone releasing hormone receptor; plus strand). Cytogenetic location: 7p14.3.
Variant type: single nucleotide variant.
Coding change: c.847T>C on transcript NM_000823.4 (MANE Select); coding-DNA position 847, T replaced by C.
Protein change: p.Trp283Arg; replaces tryptophan 283 with arginine.
Molecular consequence: missense variant.
Genome position (GRCh38, 1-based): chr7:30,975,005, T>C. VCF-style: chr7-30975005-T-C. GRCh37 (hg19) VCF-style: chr7-31014620-T-C.
Other names: short protein forms W283R.
Identifiers: ClinVar variation 3339202 (VCV003339202.1).
Genomic context (GRCh38, chr7:30,975,005, plus strand): 5'-AACGGCCTTCTTTCCTCTCTCCCCAGGTGCTGGGACCTGGACGACACCTCCCCCTACTGG[T>C]GGATCATCAAAGGGCCCATTGTCCTCTCGGTCGGGGTCAGTCCCTGGGCCAGTGCCCTTT-3'
Protein context (NP_000814.2, residues 273-293): WDLDDTSPYW[Trp283Arg]IIKGPIVLSV